The following is an entry in ClinVar:

NM_001287.6(CLCN7):c.139C>T (p.Gln47Ter)

Genes: CLCN7 (Cl-/H+ antiporter 7; minus strand), LOC130058166 (ATAC-STARR-seq lymphoblastoid silent region 6986; plus strand). Cytogenetic location: 16p13.3.
Variant type: single nucleotide variant.
Coding change: c.139C>T on transcript NM_001287.6 (MANE Select); coding-DNA position 139, C replaced by T.
Protein change: p.Gln47Ter; replaces glutamine 47 with a stop codon.
Molecular consequence: nonsense.
Genome position (GRCh38, 1-based): chr16:1,474,836, G>A on the plus strand (C>T on the coding strand, the complement: CLCN7 is on the minus strand). VCF-style: chr16-1474836-G-A. GRCh37 (hg19) VCF-style: chr16-1524837-G-A.
Other names: c.139C>T, p.Gln47Ter (NM_001114331.3); short protein forms Q47*.
Identifiers: ClinVar variation 871455 (VCV000871455.46), dbSNP rs948980711, ClinGen allele CA276630015.
Genomic context (GRCh38, chr16:1,474,836, plus strand): 5'-GCGGGCTGCGGGGCGCACGAGGGCTCAGTTTCCCCGCCTGCGCCCTGCCCGGCCTCACCT[G>A]GCGCGCAGCCCCAGGCCCAGCCCCGTTCAGCAGCGGCGTCCCCCCGCCGGGCCGCGCCGT-3'

ClinVar aggregate classification (germline): Pathogenic. Review status: criteria provided, multiple submitters, no conflicts (2 of 4 stars). 3 submissions from 3 submitters: Pathogenic (3). Last evaluated 2025-05-05.

Conditions:
Autosomal recessive osteopetrosis 4. Also called: infantile malignant CLCN7-related recessive osteopetrosis; CLCN7-Related Osteopetrosis. Identifiers: Orphanet 667, MedGen C1969106, MONDO:0012676, OMIM 611490.

Allele frequency attached by ClinVar (database versions not stated): gnomAD 0.00002; gnomAD exomes 0.00004; TOPMed 0.00004.

Submissions (3):

Institute of Human Genetics, University of Leipzig Medical Center
Classification: Pathogenic for Autosomal recessive osteopetrosis 4. Last evaluated: 2025-05-05. Review status: criteria provided, single submitter. Criteria: ACMG Guidelines, 2015. Collection method: clinical testing. Allele origin: paternal. Inheritance: Autosomal recessive inheritance. Affected: yes.
Comment: Criteria applied: PVS1,PS4_SUP,PM3_SUP

Labcorp Genetics (formerly Invitae), Labcorp
Classification: Pathogenic. Last evaluated: 2024-11-11. Review status: criteria provided, single submitter. Criteria: Invitae Variant Classification Sherloc (09022015). Collection method: clinical testing. Allele origin: germline.
Comment: This sequence change creates a premature translational stop signal (p.Gln47*) in the CLCN7 gene. It is expected to result in an absent or disrupted protein product. Loss-of-function variants in CLCN7 are known to be pathogenic (PMID: 14584882, 19953639). This variant is not present in population databases (gnomAD no frequency). This premature translational stop signal has been observed in individual(s) with autosomal recessive osteopetrosis (PMID: 24108692). ClinVar contains an entry for this variant (Variation ID: 871455). For these reasons, this variant has been classified as Pathogenic.

CeGaT Center for Human Genetics Tuebingen
Classification: Pathogenic. Last evaluated: 2020-11-01. Review status: criteria provided, single submitter. Criteria: CeGaT Center For Human Genetics Tuebingen Variant Classification Criteria Version 2. Collection method: clinical testing. Allele origin: germline. Affected: yes. Observed: 1 variant allele.

Literature cited by the submitters: PubMed 14584882 (cited by Labcorp Genetics (formerly Invitae), Labcorp); PubMed 19953639 (cited by Labcorp Genetics (formerly Invitae), Labcorp); PubMed 24108692 (cited by Labcorp Genetics (formerly Invitae), Labcorp).